The following is an entry in ClinVar:

NM_000166.6(GJB1):c.532G>C (p.Asp178His)

Gene: GJB1 (gap junction protein beta 1; plus strand). Cytogenetic location: Xq13.1.
Variant type: single nucleotide variant.
Coding change: c.532G>C on transcript NM_000166.6 (MANE Select); coding-DNA position 532, G replaced by C.
Protein change: p.Asp178His; replaces aspartic acid 178 with histidine.
Molecular consequence: missense variant.
Genome position (GRCh38, 1-based): chrX:71,224,239, G>C. VCF-style: chrX-71224239-G-C. GRCh37 (hg19) VCF-style: chrX-70444089-G-C.
Other names: c.532G>C, p.Asp178His (NM_001097642.3); short protein forms D178H.
Identifiers: ClinVar variation 3721200 (VCV003721200.2).

ClinVar aggregate classification (germline): Uncertain significance (1 of 4 stars; one submission).

Conditions:
Charcot-Marie-Tooth Neuropathy X. Identifiers: MedGen CN118851.

Submission:

Labcorp Genetics (formerly Invitae), Labcorp
Classification: Uncertain significance for Charcot-Marie-Tooth Neuropathy X. Last evaluated: 2024-11-14. Review status: criteria provided, single submitter. Criteria: Invitae Variant Classification Sherloc (09022015). Collection method: clinical testing. Allele origin: germline.
Comment: This sequence change replaces aspartic acid, which is acidic and polar, with histidine, which is basic and polar, at codon 178 of the GJB1 protein (p.Asp178His). This variant is not present in population databases (gnomAD no frequency). This missense change has been observed in individual(s) with Charcot-Marie-Tooth disease (internal data). Invitae Evidence Modeling of protein sequence and biophysical properties (such as structural, functional, and spatial information, amino acid conservation, physicochemical variation, residue mobility, and thermodynamic stability) has been performed for this missense variant. However, the output from this modeling did not meet the statistical confidence thresholds required to predict the impact of this variant on GJB1 protein function. This variant disrupts the p.Asp178 amino acid residue in GJB1. Other variant(s) that disrupt this residue have been determined to be pathogenic (internal data). This suggests that this residue is clinically significant, and that variants that disrupt this residue are likely to be disease-causing. In summary, the available evidence is currently insufficient to determine the role of this variant in disease. Therefore, it has been classified as a Variant of Uncertain Significance.